The following is an entry in ClinVar:

NM_005515.4(MNX1):c.953_973dup (p.Gly324_Ala325insGlyGlyAlaGlyLysGlyGly)

Gene: MNX1 (motor neuron and pancreas homeobox 1; minus strand). Cytogenetic location: 7q36.3.
Variant type: Duplication.
Coding change: c.953_973dup on transcript NM_005515.4 (MANE Select); coding-DNA positions 953 to 973, 21 bases duplicated (GGGGCGCGGGGAAGGGCGGCG).
Protein change: p.Gly324_Ala325insGlyGlyAlaGlyLysGlyGly.
Genome position (GRCh38, 1-based): chr7:157,005,753-157,005,773, CGCCGCCCTTCCCCGCGCCCC duplicated on the plus strand (GGGGCGCGGGGAAGGGCGGCG on the coding strand, the reverse complement: MNX1 is on the minus strand); duplicating any 21 consecutive bases within chr7:157,005,753-157,005,780 gives the same sequence; the c. name uses the placement nearest the transcript's 3' end. VCF-style (leftmost placement, unchanged base first): chr7-157005752-G-GCGCCGCCCTTCCCCGCGCCCC. GRCh37 (hg19) VCF-style: chr7-156798446-G-GCGCCGCCCTTCCCCGCGCCCC.
Other names: c.317_337dup, p.Gly112_Ala113insGlyGlyAlaGlyLysGlyGly (NM_001165255.2).
Identifiers: ClinVar variation 4760948 (VCV004760948.1).

ClinVar aggregate classification (germline): Uncertain significance (1 of 4 stars; one submission).

Submission:

Labcorp Genetics (formerly Invitae), Labcorp
Classification: Uncertain significance. Last evaluated: 2025-05-13. Review status: criteria provided, single submitter. Criteria: Invitae Variant Classification Sherloc (09022015). Collection method: clinical testing. Allele origin: germline.
Comment: This variant, c.953_973dup, results in the insertion of 7 amino acid(s) of the MNX1 protein (p.Gly318_Gly324dup), but otherwise preserves the integrity of the reading frame. This variant is present in population databases (no rsID available, gnomAD 0.02%). This variant has not been reported in the literature in individuals affected with MNX1-related conditions. Experimental studies and prediction algorithms are not available or were not evaluated, and the functional significance of this variant is currently unknown. In summary, the available evidence is currently insufficient to determine the role of this variant in disease. Therefore, it has been classified as a Variant of Uncertain Significance.